The following is an entry in ClinVar:

ClinVar aggregate classification (germline): Likely pathogenic (1 of 4 stars; one submission).

Conditions:
Autosomal recessive limb-girdle muscular dystrophy type 2B (LGMDR2). Also called: MUSCULAR DYSTROPHY, LIMB-GIRDLE, TYPE 3; Limb-girdle muscular dystrophy, type 2B; MUSCULAR DYSTROPHY, LIMB-GIRDLE, AUTOSOMAL RECESSIVE 2; Limb-Girdle Muscular Dystrophy Type 2B (LGMD2B). Identifiers: Orphanet 268, MedGen C1850889, MONDO:0009676, OMIM 253601.

Submission:

Natera, Inc.
Classification: Likely pathogenic for Limb-girdle muscular dystrophy type 2B. Last evaluated: 2025-05-08. Review status: criteria provided, single submitter. Criteria: Natera Variant Classification Schema (03/2026). Collection method: clinical testing. Allele origin: germline.
Comment: The c.1054-38_1059del variant in DYSF is a frameshift variant predicted to shift the reading frame and introduce a stop codon. This variant is expected to result in nonsense mediated decay, truncation, or a dysfunctional protein product. This variant is rare in the general population with a frequency below the threshold expected for the associated phenotype(s). Given the available evidence, this variant is classified as Likely Pathogenic.

NM_001130987.2(DYSF):c.1150-38_1155del

Gene: DYSF (dysferlin; plus strand). Cytogenetic location: 2p13.2.
Variant type: Deletion.
Coding change: c.1150-38_1155del on transcript NM_001130987.2 (MANE Select); 38 bases into the intron before coding-DNA position 1150 through coding-DNA position 1155, 44 bases deleted.
Molecular consequence: splice acceptor variant.
Genome position (GRCh38, 1-based): chr2:71,526,182-71,526,225, 44 bases deleted. GRCh37 (hg19): chr2:71,753,312-71,753,355.
Other names: c.1054-38_1059del (NM_003494.3, NM_001130978.2, NM_003494.4 and 2 more transcripts); c.1147-38_1152del (NM_001130979.2, NM_001130981.2, NM_001130980.2); c.1150-38_1155del (NM_001130982.2, NM_001130985.2); c.1057-38_1062del (NM_001130983.2, NM_001130455.2, NM_001130984.2 and 1 more transcripts).
Identifiers: ClinVar variation 4066985 (VCV004066985.2).